The following is an entry in ClinVar:

ClinVar aggregate classification (germline): Uncertain significance. Review status: criteria provided, multiple submitters, no conflicts (2 of 4 stars). 2 submissions from 2 submitters: Uncertain significance (2). Last evaluated 2025-04-28.

Conditions:
Nephronophthisis. Also called: Juvenile Nephronophthisis. Identifiers: Orphanet 655, MedGen C0687120, MONDO:0019005, HP:0000090.
Renal-hepatic-pancreatic dysplasia 1 (RHPD1). Identifiers: MedGen C3715199, MONDO:0008833, OMIM 208540.

Submissions (2):

3billion
Classification: Uncertain significance for Renal-hepatic-pancreatic dysplasia 1. Last evaluated: 2025-04-28. Review status: criteria provided, single submitter. Criteria: ACMG Guidelines, 2015. Collection method: clinical testing. Allele origin: germline. Affected: yes.

Labcorp Genetics (formerly Invitae), Labcorp
Classification: Uncertain significance for Nephronophthisis. Last evaluated: 2020-02-05. Review status: criteria provided, single submitter. Criteria: Invitae Variant Classification Sherloc (09022015). Collection method: clinical testing. Allele origin: germline.
Comment: In summary, the available evidence is currently insufficient to determine the role of this variant in disease. Therefore, it has been classified as a Variant of Uncertain Significance. Algorithms developed to predict the effect of missense changes on protein structure and function are either unavailable or do not agree on the potential impact of this missense change (SIFT: "Deleterious"; PolyPhen-2: "Probably Damaging"; Align-GVGD: "Class C0"). This variant has not been reported in the literature in individuals with NPHP3-related conditions. This variant is not present in population databases (ExAC no frequency). This sequence change replaces alanine with glutamic acid at codon 1245 of the NPHP3 protein (p.Ala1245Glu). The alanine residue is highly conserved and there is a moderate physicochemical difference between alanine and glutamic acid.

NM_153240.5(NPHP3):c.3734C>A (p.Ala1245Glu)

Genes: NPHP3 (nephrocystin 3; minus strand), NPHP3-ACAD11 (NPHP3-ACAD11 readthrough (NMD candidate); minus strand). Cytogenetic location: 3q22.1.
Variant type: single nucleotide variant.
Coding change: c.3734C>A on transcript NM_153240.5 (MANE Select); coding-DNA position 3734, C replaced by A.
Protein change: p.Ala1245Glu; replaces alanine 1245 with glutamic acid.
Molecular consequence: missense variant. On other transcripts: non-coding transcript variant (1).
Genome position (GRCh38, 1-based): chr3:132,682,781, G>T on the plus strand (C>A on the coding strand, the complement: NPHP3 is on the minus strand). VCF-style: chr3-132682781-G-T. GRCh37 (hg19) VCF-style: chr3-132401625-G-T.
Other names: short protein forms A1245E.
Identifiers: ClinVar variation 1045172 (VCV001045172.10), dbSNP rs1939065629, ClinGen allele CA354578334.
Genomic context (GRCh38, chr3:132,682,781, plus strand): 5'-TTCAGTGTTTCTCCAACTCGAGGATGCATCCGACCCAGGCTATCTTCATAAATCTTTAAT[G>T]CTCTTTCATATAATGGCAAAGCTTCAACGTGTTTTTTCTTATTAAAAAAAATGATAATGC-3'
Protein context (NP_694972.3, residues 1235-1255): HVEALPLYER[Ala1245Glu]LKIYEDSLGR